The following is an entry in ClinVar:

NM_000455.5(STK11):c.1026G>C (p.Glu342Asp)

Genes: STK11 (serine/threonine kinase 11; plus strand), LOC130062899 (ATAC-STARR-seq lymphoblastoid active region 13597; plus strand). Cytogenetic location: 19p13.3.
Variant type: single nucleotide variant.
Coding change: c.1026G>C on transcript NM_000455.5 (MANE Select); coding-DNA position 1026, G replaced by C.
Protein change: p.Glu342Asp; replaces glutamic acid 342 with aspartic acid.
Molecular consequence: missense variant. On other transcripts: non-coding transcript variant (1).
Genome position (GRCh38, 1-based): chr19:1,223,090, G>C. VCF-style: chr19-1223090-G-C. GRCh37 (hg19) VCF-style: chr19-1223089-G-C.
Other names: c.1026G>C, p.Glu342Asp (NM_001407255.1); short protein forms E342D.
Identifiers: ClinVar variation 3323257 (VCV003323257.1).

ClinVar aggregate classification (germline): Uncertain significance (1 of 4 stars; one submission).

Conditions:
Hereditary cancer-predisposing syndrome. Also called: Neoplastic Syndromes, Hereditary; Tumor predisposition; Hereditary neoplastic syndrome; Hereditary Cancer Syndrome. Identifiers: Orphanet 140162, MedGen C0027672, MeSH D009386, MONDO:0015356.

Submission:

Ambry Genetics
Classification: Uncertain significance for Hereditary cancer-predisposing syndrome. Last evaluated: 2024-03-28. Review status: criteria provided, single submitter. Criteria: Ambry Variant Classification Scheme 2023. Collection method: clinical testing. Allele origin: germline.
Comment: The p.E342D variant (also known as c.1026G>C), located in coding exon 8 of the STK11 gene, results from a G to C substitution at nucleotide position 1026. The glutamic acid at codon 342 is replaced by aspartic acid, an amino acid with highly similar properties. This amino acid position is conserved. In addition, this alteration is predicted to be tolerated by in silico analysis. Based on the available evidence, the clinical significance of this alteration remains unclear.